The following is an entry in ClinVar:

NM_014625.4(NPHS2):c.*54G>C

Genes: AXDND1 (axonemal dynein light chain domain containing 1; plus strand), NPHS2 (NPHS2 stomatin family member, podocin; minus strand). Cytogenetic location: 1q25.2.
Variant type: single nucleotide variant.
Coding change: c.*54G>C on transcript NM_014625.4 (MANE Select); 54 bases downstream of the stop codon, G replaced by C.
Molecular consequence: 3 prime UTR variant. On other transcripts: intron variant (1).
Genome position (GRCh38, 1-based): chr1:179,551,119, C>G on the plus strand (G>C on the coding strand, the complement: NPHS2 is on the minus strand). VCF-style: chr1-179551119-C-G. GRCh37 (hg19) VCF-style: chr1-179520254-C-G.
Other names: c.*54G>C (NM_001297575.2); c.3032-3393C>G (NM_144696.6).
Identifiers: ClinVar variation 293845 (VCV000293845.13), dbSNP rs1410591, ClinGen allele CA10608822.

ClinVar aggregate classification (germline): Benign. Review status: criteria provided, multiple submitters, no conflicts (2 of 4 stars). 5 submissions from 5 submitters: Benign (5). Last evaluated 2024-07-15.

Conditions:
Nephrotic syndrome, type 2 (NPHS2). Also called: NEPHROTIC SYNDROME, STEROID-RESISTANT, AUTOSOMAL RECESSIVE. Identifiers: Orphanet 656, MedGen C1868672, MONDO:0010974, OMIM 600995.

Allele frequency attached by ClinVar (database versions not stated): 1000 Genomes Project 0.58786; 1000 Genomes Project 30x 0.59182; gnomAD 0.61468 and 0.61732; TOPMed 0.61700.
gnomAD v4.1: 995,158 of 1,607,334 alleles (62%); highest among the groups gnomAD compares: Admixed American, 66%; 309,162 homozygotes.

Submissions (5):

Unidad de Genómica Garrahan, Hospital de Pediatría Garrahan
Classification: Benign. Last evaluated: 2024-07-15. Review status: criteria provided, single submitter. Criteria: ACMG Guidelines, 2015. Collection method: clinical testing. Allele origin: germline. Affected: no. Observed: 75 variant alleles.
Comment: This variant is classified as Benign based on local population frequency. This variant was detected in 81% of patients studied in a panel designed for Epileptic and Developmental Encephalopathy and Progressive Myoclonus Epilepsy. Number of patients: 75. Only high quality variants are reported.

Genome-Nilou Lab
Classification: Benign for Nephrotic syndrome, type 2. Last evaluated: 2021-07-08. Review status: criteria provided, single submitter. Criteria: ACMG Guidelines, 2015. Collection method: clinical testing. Allele origin: germline. Affected: no.

GeneDx
Classification: Benign. Last evaluated: 2018-11-12. Review status: criteria provided, single submitter. Criteria: GeneDx Variant Classification Process June 2021. Collection method: clinical testing. Allele origin: germline. Affected: yes.

Illumina Laboratory Services, Illumina
Classification: Benign for Nephrotic syndrome, type 2. Last evaluated: 2018-01-12. Review status: criteria provided, single submitter. Criteria: ICSL Variant Classification Criteria 13 December 2019. Collection method: clinical testing. Allele origin: germline.
Comment: This variant was observed in the ICSL laboratory as part of a predisposition screen in an ostensibly healthy population. It had not been previously curated by ICSL or reported in the Human Gene Mutation Database (HGMD: prior to June 1st, 2018), and was therefore a candidate for classification through an automated scoring system. Utilizing variant allele frequency, disease prevalence and penetrance estimates, and inheritance mode, an automated score was calculated to assess if this variant is too frequent to cause the disease. Based on the score and internal cut-off values, a variant classified as benign is not then subjected to further curation. The score for this variant resulted in a classification of benign for this disease.

Breakthrough Genomics
Classification: Benign. Review status: criteria provided, single submitter. Criteria: ACMG Guidelines, 2015. Collection method: not provided. Allele origin: germline. Inheritance: Autosomal recessive inheritance. Affected: yes.